The following is an entry in ClinVar:

NM_198253.3(TERT):c.578C>T (p.Pro193Leu)

Gene: TERT (telomerase reverse transcriptase; minus strand). Cytogenetic location: 5p15.33.
Variant type: single nucleotide variant.
Coding change: c.578C>T on transcript NM_198253.3 (MANE Select); coding-DNA position 578, C replaced by T.
Protein change: p.Pro193Leu; replaces proline 193 with leucine.
Molecular consequence: missense variant. On other transcripts: non-coding transcript variant (2).
Genome position (GRCh38, 1-based): chr5:1,294,308, G>A on the plus strand (C>T on the coding strand, the complement: TERT is on the minus strand). VCF-style: chr5-1294308-G-A. GRCh37 (hg19) VCF-style: chr5-1294423-G-A.
Other names: c.578C>T, p.Pro193Leu (NM_001193376.3); short protein forms P193L.
Identifiers: ClinVar variation 268079 (VCV000268079.6), dbSNP rs751762765, ClinGen allele CA3184952.

ClinVar aggregate classification (germline): Uncertain significance. Review status: criteria provided, single submitter (1 of 4 stars). 2 submissions from 2 submitters: Uncertain significance (1). 1 of the submissions does not count toward it. Last evaluated 2023-04-09.

Conditions:
Hepatocellular carcinoma (HCC). Also called: Primary carcinoma of liver; HEPATOMA; LIVER CELL CARCINOMA. Identifiers: Orphanet 88673, MedGen C2239176, MONDO:0007256, OMIM 114550, HP:0001402.
Dyskeratosis congenita, autosomal dominant 2. Identifiers: MedGen C3151443, MONDO:0013521, OMIM 613989.
Idiopathic Pulmonary Fibrosis. Also called: Idiopathic fibrosing alveolitis, chronic form; idiopathic fibrosing alveolitis. Identifiers: Orphanet 2032, MedGen C1800706, MeSH D054990, MONDO:0800504.

Allele frequency attached by ClinVar (database versions not stated): gnomAD exomes below 0.00001; ExAC 0.00002.

Submissions (2):

Labcorp Genetics (formerly Invitae), Labcorp
Classification: Uncertain significance for Dyskeratosis congenita, autosomal dominant 2; Idiopathic Pulmonary Fibrosis. Last evaluated: 2023-04-09. Review status: criteria provided, single submitter. Criteria: Invitae Variant Classification Sherloc (09022015). Collection method: clinical testing. Allele origin: germline.
Comment: In summary, the available evidence is currently insufficient to determine the role of this variant in disease. Therefore, it has been classified as a Variant of Uncertain Significance. Experimental studies are conflicting or provide insufficient evidence to determine the effect of this variant on TERT function (PMID: 28677271). Advanced modeling of protein sequence and biophysical properties (such as structural, functional, and spatial information, amino acid conservation, physicochemical variation, residue mobility, and thermodynamic stability) has been performed at Invitae for this missense variant, however the output from this modeling did not meet the statistical confidence thresholds required to predict the impact of this variant on TERT protein function. ClinVar contains an entry for this variant (Variation ID: 268079). This variant has not been reported in the literature in individuals affected with TERT-related conditions. The frequency data for this variant in the population databases is considered unreliable, as metrics indicate poor data quality at this position in the gnomAD database. This sequence change replaces proline, which is neutral and non-polar, with leucine, which is neutral and non-polar, at codon 193 of the TERT protein (p.Pro193Leu).

Metabolic Liver Diseases Lab, Fondazione IRCCS Ca Granda Policlinico, University of Milan
Classification: Uncertain significance for Hepatocellular carcinoma. Last evaluated: 2016-06-01. Review status: no assertion criteria provided. Collection method: case-control. Allele origin: germline. Affected: yes. Observed: 1 variant allele. Not counted in ClinVar's aggregate classification.

Literature cited by the submitters: PubMed 28677271 (cited by Labcorp Genetics (formerly Invitae), Labcorp and Metabolic Liver Diseases Lab, Fondazione IRCCS Ca Granda Policlinico, University of Milan).